The following is an entry in ClinVar:

NM_001308093.3(GATA4):c.424G>A (p.Gly142Ser)

Gene: GATA4 (GATA binding protein 4). Cytogenetic location: 8p23.1.
Variant type: single nucleotide variant.
Coding change: c.424G>A on transcript NM_001308093.3 (MANE Select); coding-DNA position 424, G replaced by A.
Protein change: p.Gly142Ser; replaces glycine 142 with serine.
Molecular consequence: missense variant. On other transcripts: intron variant (3).
Genome position (GRCh38, 1-based): chr8:11,708,736, G>A. VCF-style: chr8-11708736-G-A. GRCh37 (hg19) VCF-style: chr8-11566245-G-A.
Other names: c.424G>A, p.Gly142Ser (NM_002052.5); c.-6+7958G>A (NM_001308094.2); c.-3+722G>A (NM_001374274.1); c.-3+4432G>A (NM_001374273.1); short protein forms G142S.
Identifiers: ClinVar variation 652788 (VCV000652788.8), dbSNP rs1585596441, ClinGen allele CA370309591.

ClinVar aggregate classification (germline): Uncertain significance (1 of 4 stars; one submission).

Conditions:
Atrioventricular septal defect 4 (AVSD4). Identifiers: MedGen C3280781, MONDO:0013747, OMIM 614430.

gnomAD v4.1: 7 of 1,316,640 alleles (0.00053%); highest among the groups gnomAD compares: East Asian, 0.013%; no homozygotes.

Submission:

Labcorp Genetics (formerly Invitae), Labcorp
Classification: Uncertain significance for Atrioventricular septal defect 4. Last evaluated: 2023-12-30. Review status: criteria provided, single submitter. Criteria: Invitae Variant Classification Sherloc (09022015). Collection method: clinical testing. Allele origin: germline.
Comment: This sequence change replaces glycine, which is neutral and non-polar, with serine, which is neutral and polar, at codon 142 of the GATA4 protein (p.Gly142Ser). This variant is not present in population databases (gnomAD no frequency). This variant has not been reported in the literature in individuals affected with GATA4-related conditions. ClinVar contains an entry for this variant (Variation ID: 652788). Advanced modeling of protein sequence and biophysical properties (such as structural, functional, and spatial information, amino acid conservation, physicochemical variation, residue mobility, and thermodynamic stability) performed at Invitae indicates that this missense variant is not expected to disrupt GATA4 protein function with a negative predictive value of 80%. In summary, the available evidence is currently insufficient to determine the role of this variant in disease. Therefore, it has been classified as a Variant of Uncertain Significance.